The following is an entry in ClinVar:

NM_001184.4(ATR):c.3914C>G (p.Thr1305Arg)

Gene: ATR (ATR checkpoint kinase; minus strand). Cytogenetic location: 3q23.
Variant type: single nucleotide variant.
Coding change: c.3914C>G on transcript NM_001184.4 (MANE Select); coding-DNA position 3914, C replaced by G.
Protein change: p.Thr1305Arg; replaces threonine 1305 with arginine.
Molecular consequence: missense variant.
Genome position (GRCh38, 1-based): chr3:142,535,111, G>C on the plus strand (C>G on the coding strand, the complement: ATR is on the minus strand). VCF-style: chr3-142535111-G-C. GRCh37 (hg19) VCF-style: chr3-142253953-G-C.
Other names: c.3722C>G, p.Thr1241Arg (NM_001354579.2); short protein forms T1305R, T1241R.
Identifiers: ClinVar variation 1736132 (VCV001736132.2), dbSNP rs2108424526, ClinGen allele CA354805917.

ClinVar aggregate classification (germline): Uncertain significance (1 of 4 stars; one submission).

Conditions:
Inborn genetic diseases. Identifiers: MedGen C0950123, MeSH D030342.

Submission:

Ambry Genetics
Classification: Uncertain significance for Inborn genetic diseases. Last evaluated: 2023-11-16. Review status: criteria provided, single submitter. Criteria: Ambry Variant Classification Scheme 2023. Collection method: clinical testing. Allele origin: germline.
Comment: The p.T1305R variant (also known as c.3914C>G), located in coding exon 21 of the ATR gene, results from a C to G substitution at nucleotide position 3914. The threonine at codon 1305 is replaced by arginine, an amino acid with similar properties. This amino acid position is conserved. In addition, this alteration is predicted to be deleterious by in silico analysis. Since supporting evidence is limited at this time, the clinical significance of this alteration remains unclear.